The following is an entry in ClinVar:

NM_000091.5(COL4A3):c.1908del (p.Gly637fs)

Genes: COL4A3 (collagen type IV alpha 3 chain; plus strand), MFF-DT (MFF divergent transcript; minus strand). Cytogenetic location: 2q36.3.
Variant type: Deletion.
Coding change: c.1908del on transcript NM_000091.5 (MANE Select); coding-DNA position 1908, one base deleted (C; older notation c.1908delC).
Protein change: p.Gly637fs; shifts the reading frame from glycine 637.
Molecular consequence: frameshift variant.
Genome position (GRCh38, 1-based): chr2:227,273,098, C deleted; the last of 5 consecutive C bases (chr2:227,273,094-227,273,098); deleting any one gives the same sequence. VCF-style (leftmost placement, unchanged base first): chr2-227273093-GC-G. GRCh37 (hg19) VCF-style: chr2-228137809-GC-G.
Other names: short protein forms G637fs.
Identifiers: ClinVar variation 4531837 (VCV004531837.1).

ClinVar aggregate classification (germline): Pathogenic (1 of 4 stars; one submission).

Conditions:
Alport syndrome. Also called: Hemorrhagic familial nephritis; Hemorrhagic hereditary nephritis; Congenital hereditary hematuria. Identifiers: Orphanet 63, MedGen C1567741, MONDO:0018965.

Submission:

Victorian Clinical Genetics Services, Murdoch Childrens Research Institute
Classification: Pathogenic for Alport syndrome. Last evaluated: 2025-02-25. Review status: criteria provided, single submitter. Criteria: ACMG Guidelines, 2015. Collection method: clinical testing. Allele origin: germline. Affected: yes.
Comment: This variant is classified as Pathogenic. Evidence in support of pathogenic classification: Variant is predicted to cause nonsense-mediated decay (NMD) and loss of protein (premature termination codon is located at least 54 nucleotides upstream of the final exon-exon junction); Variant is absent from gnomAD (v2, v3 and v4); Other NMD-predicted variant(s) comparable to the one identified in this case have very strong previous evidence for pathogenicity (DECIPHER, ClinVar). Additional information: This variant is heterozygous; This gene is associated with both recessive and dominant Alport syndrome (MONDO:0018965), COL4A3-related; Dominant negative and loss of function are known mechanisms of disease in this gene and are associated with Alport syndrome (MONDO:0018965), COL4A3-related. Glycine changes that are part of a G-X-Y repeat in the triple helix of a collagen domain are known to have a dominant negative effect (PMID: 12028435); Inheritance information for this variant is not currently available in this individual.

Literature cited by the submitters: PubMed 12028435.